The following is an entry in ClinVar:

NM_017802.4(DNAAF5):c.2003G>C (p.Arg668Thr)

Gene: DNAAF5 (dynein axonemal assembly factor 5; plus strand). Cytogenetic location: 7p22.3.
Variant type: single nucleotide variant.
Coding change: c.2003G>C on transcript NM_017802.4 (MANE Select); coding-DNA position 2003, G replaced by C.
Protein change: p.Arg668Thr; replaces arginine 668 with threonine.
Molecular consequence: missense variant. On other transcripts: non-coding transcript variant (1).
Genome position (GRCh38, 1-based): chr7:774,119, G>C. VCF-style: chr7-774119-G-C. GRCh37 (hg19) VCF-style: chr7-813756-G-C.
Other names: short protein forms R668T.
Identifiers: ClinVar variation 647537 (VCV000647537.10), dbSNP rs555500022, ClinGen allele CA152353239.
Genomic context (GRCh38, chr7:774,119, plus strand): 5'-GCTACCTCGAGACGGTGACAAAGGACATCCTGGCCCCCAATCTGCAGTGGCATGCGGGGA[G>C]GACAGCCGCGGCCATCCGCACGGCTGCCGTGTCCTGCCTCTGGGCGCTCACCAGCAGCGA-3'
Protein context (NP_060272.3, residues 658-678): LAPNLQWHAG[Arg668Thr]TAAAIRTAAV

ClinVar aggregate classification (germline): Uncertain significance. Review status: criteria provided, multiple submitters, no conflicts (2 of 4 stars). 2 submissions from 2 submitters: Uncertain significance (2). Last evaluated 2023-12-26.

Conditions:
Primary ciliary dyskinesia. Also called: Ciliary dyskinesia. Identifiers: Orphanet 244, MedGen C0008780, MONDO:0016575, HP:0012265.

Allele frequency attached by ClinVar (database versions not stated): TOPMed 0.00005; gnomAD 0.00006.
gnomAD v4.1: 17 of 1,613,130 alleles (0.0011%); highest among the groups gnomAD compares: African/African-American, 0.023%; no homozygotes.

Submissions (2):

Ambry Genetics
Classification: Uncertain significance for Primary ciliary dyskinesia. Last evaluated: 2023-12-26. Review status: criteria provided, single submitter. Criteria: Ambry Variant Classification Scheme 2023. Collection method: clinical testing. Allele origin: germline.

Labcorp Genetics (formerly Invitae), Labcorp
Classification: Uncertain significance for Primary ciliary dyskinesia. Last evaluated: 2018-08-25. Review status: criteria provided, single submitter. Criteria: Invitae Variant Classification Sherloc (09022015). Collection method: clinical testing. Allele origin: germline.
Comment: This sequence change replaces arginine with threonine at codon 668 of the DNAAF5 protein (p.Arg668Thr). The arginine residue is moderately conserved and there is a moderate physicochemical difference between arginine and threonine. This variant is not present in population databases (ExAC no frequency). This variant has not been reported in the literature in individuals with DNAAF5-related disease. Algorithms developed to predict the effect of missense changes on protein structure and function are either unavailable or do not agree on the potential impact of this missense change (SIFT: "Tolerated"; PolyPhen-2: "Possibly Damaging"; Align-GVGD: "Class C0"). In summary, the available evidence is currently insufficient to determine the role of this variant in disease. Therefore, it has been classified as a Variant of Uncertain Significance.